The following is an entry in ClinVar:

ClinVar aggregate classification (germline): Uncertain significance. Review status: criteria provided, multiple submitters, no conflicts (2 of 4 stars). 3 submissions from 3 submitters: Uncertain significance (2). 1 of the submissions does not count toward it. Last evaluated 2022-09-27.

Conditions:
Retinal dystrophy. Also called: Inherited retinal dystrophy. Identifiers: Orphanet 71862, MedGen C0854723, MeSH D058499, MONDO:0019118, HP:0000556.

Allele frequency attached by ClinVar (database versions not stated): gnomAD exomes below 0.00001 and 0.00004; gnomAD 0.00003; TOPMed 0.00003; ExAC 0.00005.
gnomAD v4.1: 65 of 1,595,734 alleles (0.0041%); highest among the groups gnomAD compares: Non-Finnish European, 0.0055%; no homozygotes.

Submissions (3):

Blueprint Genetics
Classification: Uncertain significance. Last evaluated: 2022-09-27. Review status: criteria provided, single submitter. Criteria: ACMG Guidelines, 2015. Collection method: clinical testing. Allele origin: germline.

Labcorp Genetics (formerly Invitae), Labcorp
Classification: Uncertain significance. Last evaluated: 2022-06-27. Review status: criteria provided, single submitter. Criteria: Invitae Variant Classification Sherloc (09022015). Collection method: clinical testing. Allele origin: germline.
Comment: This sequence change replaces arginine, which is basic and polar, with glycine, which is neutral and non-polar, at codon 632 of the CEP250 protein (p.Arg632Gly). This variant is present in population databases (rs754556013, gnomAD 0.003%). This variant has not been reported in the literature in individuals affected with CEP250-related conditions. ClinVar contains an entry for this variant (Variation ID: 971616). Algorithms developed to predict the effect of missense changes on protein structure and function are either unavailable or do not agree on the potential impact of this missense change (SIFT: "Not Available"; PolyPhen-2: "Probably Damaging"; Align-GVGD: "Not Available"). In summary, the available evidence is currently insufficient to determine the role of this variant in disease. Therefore, it has been classified as a Variant of Uncertain Significance.

Institute of Human Genetics, Univ. Regensburg, Univ. Regensburg
Classification: Uncertain significance for Retinal dystrophy. Last evaluated: 2022-01-01. Review status: no assertion criteria provided. Criteria: ACMG Guidelines, 2015. Collection method: clinical testing. Allele origin: germline. Affected: yes. Not counted in ClinVar's aggregate classification.

NM_007186.6(CEP250):c.1894A>G (p.Arg632Gly)

Genes: CEP250 (centrosomal protein 250; plus strand), CEP250-AS1 (CEP250 antisense RNA 1; minus strand). Cytogenetic location: 20q11.22.
Variant type: single nucleotide variant.
Coding change: c.1894A>G on transcript NM_007186.6 (MANE Select); coding-DNA position 1894, A replaced by G.
Protein change: p.Arg632Gly; replaces arginine 632 with glycine.
Molecular consequence: missense variant. On other transcripts: 5 prime UTR variant (1).
Genome position (GRCh38, 1-based): chr20:35,477,901, A>G. VCF-style: chr20-35477901-A-G. GRCh37 (hg19) VCF-style: chr20-34065726-A-G.
Other names: c.-3A>G (NM_001318219.1); short protein forms R632G.
Identifiers: ClinVar variation 971616 (VCV000971616.7), dbSNP rs754556013, ClinGen allele CA9833063.
Genomic context (GRCh38, chr20:35,477,901, plus strand): 5'-CTTGTACTCCCTTCCCTTTTTGGCCAGTAGTTAGAGGAGGAGAACCAGTCTGTGTGCAGC[A>G]GAATGGAGGCCGCAGAGCAGGCGAGAAATGCTTTGCAGGTCGACCTGGCGGAGGCAGAGA-3'
Protein context (NP_009117.2, residues 622-642): LEEENQSVCS[Arg632Gly]MEAAEQARNA